The following is an entry in ClinVar:

ClinVar aggregate classification (germline): Uncertain significance. Review status: criteria provided, multiple submitters, no conflicts (2 of 4 stars). 3 submissions from 3 submitters: Uncertain significance (3). Last evaluated 2026-07-31.

Allele frequency attached by ClinVar (database versions not stated): TOPMed 0.00002.
gnomAD v4.1: 18 of 1,490,584 alleles (0.0012%); highest among the groups gnomAD compares: Middle Eastern, 0.046%; no homozygotes.

Submissions (3):

GeneDx
Classification: Uncertain significance. Last evaluated: 2026-07-31. Review status: criteria provided, single submitter. Criteria: GeneDx Variant Classification Process June 2021. Collection method: clinical testing. Allele origin: germline.
Comment: Not observed at significant frequency in large population cohorts (gnomAD); Identified with a second ZNF407 variant in a patient with autism in published literature; however, variants in other genes are also reported (PMID: 37492102); In silico analysis indicates that this missense variant does not alter protein structure/function; This variant is associated with the following publications: (PMID: 37492102)

Ambry Genetics
Classification: Uncertain significance. Last evaluated: 2025-06-07. Review status: criteria provided, single submitter. Criteria: Ambry Variant Classification Scheme 2023. Collection method: clinical testing. Allele origin: germline.

Genetic Services Laboratory, University of Chicago
Classification: Uncertain significance. Last evaluated: 2015-09-17. Review status: criteria provided, single submitter. Criteria: ACMG Guidelines, 2015. Collection method: clinical testing. Allele origin: germline. Affected: no.

NM_017757.3(ZNF407):c.6734T>C (p.Leu2245Pro)

Gene: ZNF407 (zinc finger protein 407; plus strand). Cytogenetic location: 18q22.3.
Variant type: single nucleotide variant.
Coding change: c.6734T>C on transcript NM_017757.3 (MANE Select); coding-DNA position 6734, T replaced by C.
Protein change: p.Leu2245Pro; replaces leucine 2245 with proline.
Molecular consequence: missense variant.
Genome position (GRCh38, 1-based): chr18:75,064,455, T>C. VCF-style: chr18-75064455-T-C. GRCh37 (hg19) VCF-style: chr18-72776411-T-C.
Other names: c.6734T>C, p.Leu2245Pro (NM_001384475.1); short protein forms L2245P.
Identifiers: ClinVar variation 437381 (VCV000437381.11), dbSNP rs370159868, ClinGen allele CA303331974.